The following is an entry in ClinVar:

ClinVar aggregate classification (germline): Likely pathogenic (1 of 4 stars; one submission).

Submission:

Labcorp Genetics (formerly Invitae), Labcorp
Classification: Likely pathogenic. Last evaluated: 2023-12-13. Review status: criteria provided, single submitter. Criteria: Invitae Variant Classification Sherloc (09022015). Collection method: clinical testing. Allele origin: germline.
Comment: This sequence change replaces glutamic acid, which is acidic and polar, with glycine, which is neutral and non-polar, at codon 2212 of the MYO15A protein (p.Glu2212Gly). This variant is not present in population databases (gnomAD no frequency). This variant has not been reported in the literature in individuals affected with MYO15A-related conditions. Advanced modeling of protein sequence and biophysical properties (such as structural, functional, and spatial information, amino acid conservation, physicochemical variation, residue mobility, and thermodynamic stability) performed at Invitae indicates that this missense variant is expected to disrupt MYO15A protein function with a positive predictive value of 95%. This variant disrupts the p.Glu2212 amino acid residue in MYO15A. Other variant(s) that disrupt this residue have been determined to be pathogenic (PMID: 26969326, 35346193; Invitae). This suggests that this residue is clinically significant, and that variants that disrupt this residue are likely to be disease-causing. In summary, the currently available evidence indicates that the variant is pathogenic, but additional data are needed to prove that conclusively. Therefore, this variant has been classified as Likely Pathogenic.

Literature cited by the submitters: PubMed 26969326; PubMed 35346193.

NM_016239.4(MYO15A):c.6635A>G (p.Glu2212Gly)

Gene: MYO15A (myosin XVA; plus strand). Cytogenetic location: 17p11.2.
Variant type: single nucleotide variant.
Coding change: c.6635A>G on transcript NM_016239.4 (MANE Select); coding-DNA position 6635, A replaced by G.
Protein change: p.Glu2212Gly; replaces glutamic acid 2212 with glycine.
Molecular consequence: missense variant.
Genome position (GRCh38, 1-based): chr17:18,148,154, A>G. VCF-style: chr17-18148154-A-G. GRCh37 (hg19) VCF-style: chr17-18051468-A-G.
Other names: short protein forms E2212G.
Identifiers: ClinVar variation 2702762 (VCV002702762.3), dbSNP rs2545276437, ClinGen allele CA398610694.